The following is an entry in ClinVar:

ClinVar aggregate classification (germline): Uncertain significance (1 of 4 stars; one submission).

Conditions:
Rhabdoid tumor predisposition syndrome 2 (RTPS2). Identifiers: Orphanet 231108, Orphanet 69077, MedGen C2750074, MONDO:0013224, OMIM 613325.

Submission:

Labcorp Genetics (formerly Invitae), Labcorp
Classification: Uncertain significance for Rhabdoid tumor predisposition syndrome 2. Last evaluated: 2023-09-17. Review status: criteria provided, single submitter. Criteria: Invitae Variant Classification Sherloc (09022015). Collection method: clinical testing. Allele origin: germline.
Comment: This sequence change replaces alanine, which is neutral and non-polar, with threonine, which is neutral and polar, at codon 551 of the SMARCA4 protein (p.Ala551Thr). This variant is not present in population databases (gnomAD no frequency). This variant has not been reported in the literature in individuals affected with SMARCA4-related conditions. Advanced modeling of protein sequence and biophysical properties (such as structural, functional, and spatial information, amino acid conservation, physicochemical variation, residue mobility, and thermodynamic stability) performed at Invitae indicates that this missense variant is not expected to disrupt SMARCA4 protein function. In summary, the available evidence is currently insufficient to determine the role of this variant in disease. Therefore, it has been classified as a Variant of Uncertain Significance.

NM_003072.5(SMARCA4):c.1651G>A (p.Ala551Thr)

Gene: SMARCA4 (SWI/SNF related BAF chromatin remodeling complex subunit ATPase 4; plus strand). Cytogenetic location: 19p13.2.
Variant type: single nucleotide variant.
Coding change: c.1651G>A on transcript NM_003072.5 (MANE Select); coding-DNA position 1651, G replaced by A.
Protein change: p.Ala551Thr; replaces alanine 551 with threonine.
Molecular consequence: missense variant. On other transcripts: non-coding transcript variant (1).
Genome position (GRCh38, 1-based): chr19:10,996,270, G>A. VCF-style: chr19-10996270-G-A. GRCh37 (hg19) VCF-style: chr19-11106946-G-A.
Other names: c.1651G>A, p.Ala551Thr (NM_001128844.3, NM_001128845.2, NM_001128846.2 and 6 more transcripts); short protein forms A551T.
Identifiers: ClinVar variation 2761274 (VCV002761274.3), dbSNP rs2087031286, ClinGen allele CA404064340.